The following is an entry in ClinVar:

ClinVar aggregate classification (germline): Uncertain significance (1 of 4 stars; one submission).

Submission:

Labcorp Genetics (formerly Invitae), Labcorp
Classification: Uncertain significance. Last evaluated: 2023-03-01. Review status: criteria provided, single submitter. Criteria: Invitae Variant Classification Sherloc (09022015). Collection method: clinical testing. Allele origin: germline.
Comment: This variant is not present in population databases (gnomAD no frequency). In summary, the available evidence is currently insufficient to determine the role of this variant in disease. Therefore, it has been classified as a Variant of Uncertain Significance. An algorithm developed to predict the effect of missense changes on protein structure and function (PolyPhen-2) suggests that this variant is likely to be disruptive. This variant has not been reported in the literature in individuals affected with MYO18B-related conditions. This sequence change replaces aspartic acid, which is acidic and polar, with valine, which is neutral and non-polar, at codon 1961 of the MYO18B protein (p.Asp1961Val).

NM_032608.7(MYO18B):c.5882A>T (p.Asp1961Val)

Gene: MYO18B (myosin XVIIIB; plus strand). Cytogenetic location: 22q12.1.
Variant type: single nucleotide variant.
Coding change: c.5882A>T on transcript NM_032608.7 (MANE Select); coding-DNA position 5882, A replaced by T.
Protein change: p.Asp1961Val; replaces aspartic acid 1961 with valine.
Molecular consequence: missense variant.
Genome position (GRCh38, 1-based): chr22:25,952,335, A>T. VCF-style: chr22-25952335-A-T. GRCh37 (hg19) VCF-style: chr22-26348301-A-T.
Other names: c.5885A>T, p.Asp1962Val (NM_001318245.2); short protein forms D1961V, D1962V.
Identifiers: ClinVar variation 2874434 (VCV002874434.3), dbSNP rs13054189, ClinGen allele CA411008658.